The following is an entry in ClinVar:

NM_000350.3(ABCA4):c.3050+5G>A

Gene: ABCA4 (ATP binding cassette subfamily A member 4; minus strand). Cytogenetic location: 1p22.1.
Variant type: single nucleotide variant.
Coding change: c.3050+5G>A on transcript NM_000350.3 (MANE Select); 5 bases into the intron after coding-DNA position 3050, G replaced by A.
Molecular consequence: intron variant.
Genome position (GRCh38, 1-based): chr1:94,044,608, C>T on the plus strand (G>A on the coding strand, the complement: ABCA4 is on the minus strand). VCF-style: chr1-94044608-C-T. GRCh37 (hg19) VCF-style: chr1-94510164-C-T.
Identifiers: ClinVar variation 99192 (VCV000099192.17), dbSNP rs61751262, ClinGen allele CA227073.

ClinVar aggregate classification (germline): Pathogenic. Review status: criteria provided, multiple submitters, no conflicts (2 of 4 stars). 7 submissions from 7 submitters: Pathogenic (5). 2 of the submissions do not count toward it. Last evaluated 2026-09-21.

Conditions:
ABCA4-related disorder. Also called: ABCA4-related condition; ABCA4-related disorders. Identifiers: MedGen CN239167.
Cone-rod dystrophy 3 (CORD3). Identifiers: Orphanet 1872, MedGen C1858806, MONDO:0011395, OMIM 604116.
Age related macular degeneration 2. Also called: MACULAR DEGENERATION, SENILE; MACULOPATHY, AGE-RELATED, 2; MACULOPATHY, AGE-RELATED. Identifiers: MedGen C3495438, MONDO:0007932, OMIM 153800.
Retinitis pigmentosa 19 (RP19). Also called: ABCA4-Related Retinitis Pigmentosa. Identifiers: Orphanet 791, MedGen C1866422, MONDO:0011137, OMIM 601718.
Severe early-childhood-onset retinal dystrophy (STGD1). Also called: MACULAR DYSTROPHY WITH FLECKS, TYPE 1; STGD; Stargardt disease 1; Stargardt macular dystrophy; Juvenile onset macular degeneration. Identifiers: Orphanet 364055, Orphanet 827, MedGen C1855465, MeSH D000080362, MONDO:0009549, OMIM 248200.
Stargardt disease (FFM). Also called: Fundus flavimaculatus; Stargardt's disease. Identifiers: Orphanet 827, MedGen C0271093, MONDO:0019353.

Allele frequency attached by ClinVar (database versions not stated): gnomAD exomes 0.00001 and 0.00002; ExAC 0.00002; TOPMed 0.00001.
gnomAD v4.1: 17 of 1,614,184 alleles (0.0011%); highest among the groups gnomAD compares: Admixed American, 0.0017%; no homozygotes.

Submissions (7):

PreventionGenetics, part of Exact Sciences
Classification: Pathogenic for ABCA4-related condition. Last evaluated: 2026-09-21. Review status: criteria provided, single submitter. Criteria: ACMG Guidelines, 2015. Collection method: clinical testing. Allele origin: germline.
Comment: The ABCA4 c.3050+5G>A variant is predicted to interfere with splicing. This variant has been reported in multiple individuals with retinal disease (see for examples: Rivera et al. 2000. PubMed ID: 10958763; Table S2, Del Pozo-Valero et al. 2022. PubMed ID: 35119454; Table S1, Lin et al 2024. PubMed ID: 38219857). This variant is predicted to impact splicing (SpliceAI, Jaganathan et al. 2019. PubMed ID: 30661751), and in vitro studies have shown that this variant causes an in-frame deletion (p.Leu973_His1017delinsPhe; Sangermano et al. 2018. PubMed ID: 29162642). This variant is present in 0.030% of alleles in individuals of Ashkenazi Jewish descent in gnomAD, and a study of the frequency of this variant in affected individuals versus the general population has classified this variant as severe (Table S2A, Cornelis et al. 2022. PubMed ID: 35120629). Given the evidence, we interpret this variant as pathogenic.

Labcorp Genetics (formerly Invitae), Labcorp
Classification: Pathogenic. Last evaluated: 2025-12-30. Review status: criteria provided, single submitter. Criteria: Invitae Variant Classification Sherloc (09022015). Collection method: clinical testing. Allele origin: germline.
Comment: This sequence change falls in intron 20 of the ABCA4 gene. It does not directly change the encoded amino acid sequence of the ABCA4 protein. RNA analysis indicates that this variant induces altered splicing and likely results in a shortened protein product. This variant is present in population databases (rs61751262, gnomAD 0.03%). This variant has been observed in individual(s) with Stargardt disease (PMID: 10958763, 11726554, 19217903). In at least one individual the data is consistent with being in trans (on the opposite chromosome) from a pathogenic variant. This variant is also known as IVS20+5G>A. ClinVar contains an entry for this variant (Variation ID: 99192). Variants that disrupt the consensus splice site are a relatively common cause of aberrant splicing (PMID: 17576681, 9536098). Studies have shown that this variant results in skipping of exon 20, but is expected to preserve the integrity of the reading-frame (PMID: 29162642). For these reasons, this variant has been classified as Pathogenic.

Fulgent Genetics
Classification: Pathogenic for Age related macular degeneration 2; Severe early-childhood-onset retinal dystrophy; Retinitis pigmentosa 19; Cone-rod dystrophy 3. Last evaluated: 2024-04-29. Review status: criteria provided, single submitter. Criteria: ACMG Guidelines, 2015. Collection method: clinical testing. Allele origin: germline.

GeneDx
Classification: Pathogenic. Last evaluated: 2024-04-15. Review status: criteria provided, single submitter. Criteria: GeneDx Variant Classification Process June 2021. Collection method: clinical testing. Allele origin: germline. Affected: yes.
Comment: RNA studies demonstrate that c.3050+5G>A destroys the natural donor site for intron 20, causing skipping of exon 20 (PMID: 29162642); In silico analysis supports a deleterious effect on splicing; This variant is associated with the following publications: (PMID: 35120629, 35775617, 31964843, 35076026, 19217903, 25301883, 20647261, 25525159, 11726554, 26024099, 28044389, 22076985, 35119454, 32619608, 31456290, 30055151, 10958763, 37217489, 29162642)

Blueprint Genetics
Classification: Pathogenic for ABCA4-related disorders. Last evaluated: 2022-09-02. Review status: criteria provided, single submitter. Criteria: ACMG Guidelines, 2015. Collection method: clinical testing. Allele origin: germline. Affected: yes. Observed: 5 variant alleles.

Sharon lab, Hadassah-Hebrew University Medical Center
Classification: Pathogenic for Stargardt disease. Last evaluated: 2019-06-23. Review status: no assertion criteria provided. Collection method: research. Allele origin: inherited. Affected: yes. Not counted in ClinVar's aggregate classification.

Retina International
No classification provided. Review status: no classification provided. Collection method: not provided. Allele origin: not provided. Not counted in ClinVar's aggregate classification.

Literature cited by the submitters: PubMed 10958763 (cited by Labcorp Genetics (formerly Invitae), Labcorp); PubMed 11726554 (cited by Labcorp Genetics (formerly Invitae), Labcorp); PubMed 19217903 (cited by Labcorp Genetics (formerly Invitae), Labcorp); PubMed 17576681 (cited by Labcorp Genetics (formerly Invitae), Labcorp); PubMed 9536098 (cited by Labcorp Genetics (formerly Invitae), Labcorp); PubMed 29162642 (cited by Labcorp Genetics (formerly Invitae), Labcorp).